The following is an entry in ClinVar:

NM_000092.5(COL4A4):c.871-1G>C

Gene: COL4A4 (collagen type IV alpha 4 chain; minus strand). Cytogenetic location: 2q36.3.
Variant type: single nucleotide variant.
Coding change: c.871-1G>C on transcript NM_000092.5 (MANE Select); the canonical splice acceptor site of the intron before coding-DNA position 871, G replaced by C.
Molecular consequence: splice acceptor variant.
Genome position (GRCh38, 1-based): chr2:227,102,849, C>G on the plus strand (G>C on the coding strand, the complement: COL4A4 is on the minus strand). VCF-style: chr2-227102849-C-G. GRCh37 (hg19) VCF-style: chr2-227967565-C-G.
Identifiers: ClinVar variation 447195 (VCV000447195.16), dbSNP rs375450996, ClinGen allele CA2145373.

ClinVar aggregate classification (germline): Conflicting classifications of pathogenicity. Review status: criteria provided, conflicting classifications (1 of 4 stars). 8 submissions from 8 submitters: Likely pathogenic (6); Uncertain significance (1). 1 of the submissions does not count toward it. Last evaluated 2026-01-02.

Conditions:
Autosomal recessive Alport syndrome (ATS2). Also called: COL4A4 Alport Syndrome and Thin Basement Membrane Nephropathy; Alport syndrome type 2; COL4A3-Related Nephropathy; ALPORT SYNDROME 2, AUTOSOMAL RECESSIVE. Identifiers: Orphanet 63, Orphanet 88919, MedGen C4746745, MONDO:0008762, OMIM 203780.
Benign familial hematuria. Also called: thin basement membrane disease. Identifiers: MedGen C0241908, MONDO:0957317.
COL4A4-related disorder.
Hematuria. Identifiers: MedGen C0018965, HP:0000790.

Allele frequency attached by ClinVar (database versions not stated): ExAC 0.00001; gnomAD exomes below 0.00001; TOPMed 0.00002; ESP Exome Variant Server 0.00008.
gnomAD v4.1: 5 of 1,612,292 alleles (0.00031%); highest among the groups gnomAD compares: Non-Finnish European, 0.00042%; no homozygotes.

Submissions (8):

Genetics Laboratory, Great Ormond Street Hospital NHS Foundation Trust, North Thames Genomic Laboratory Hub
Classification: Likely pathogenic for Haematuria. Last evaluated: 2026-01-02. Review status: criteria provided, single submitter. Criteria: ACGS Best Practice Guidelines for Variant Classification in Rare Disease 2024 v1.2. Collection method: clinical testing. Allele origin: germline. Affected: yes.
Comment: PM2_moderate, PVS1_strong

Labcorp Genetics (formerly Invitae), Labcorp
Classification: Likely pathogenic. Last evaluated: 2024-04-06. Review status: criteria provided, single submitter. Criteria: Invitae Variant Classification Sherloc (09022015). Collection method: clinical testing. Allele origin: germline.
Comment: This sequence change affects an acceptor splice site in intron 14 of the COL4A4 gene. It is expected to disrupt RNA splicing. Variants that disrupt the donor or acceptor splice site typically lead to a loss of protein function (PMID: 16199547), and loss-of-function variants in COL4A4 are known to be pathogenic (PMID: 21196518, 24854265, 25307543). This variant is present in population databases (rs375450996, gnomAD 0.002%). This variant has not been reported in the literature in individuals affected with COL4A4-related conditions. ClinVar contains an entry for this variant (Variation ID: 447195). Algorithms developed to predict the effect of sequence changes on RNA splicing suggest that this variant may disrupt the consensus splice site. In summary, the currently available evidence indicates that the variant is pathogenic, but additional data are needed to prove that conclusively. Therefore, this variant has been classified as Likely Pathogenic.

Blueprint Genetics
Classification: Uncertain significance. Last evaluated: 2023-11-17. Review status: criteria provided, single submitter. Criteria: ACMG Guidelines, 2015. Collection method: clinical testing. Allele origin: germline.

Fulgent Genetics
Classification: Likely pathogenic for Hematuria, benign familial, 1; Autosomal recessive Alport syndrome. Last evaluated: 2022-05-17. Review status: criteria provided, single submitter. Criteria: ACMG Guidelines, 2015. Collection method: clinical testing. Allele origin: unknown.

GeneDx
Classification: Likely pathogenic. Last evaluated: 2020-11-11. Review status: criteria provided, single submitter. Criteria: GeneDx Variant Classification Process June 2021. Collection method: clinical testing. Allele origin: germline. Affected: yes.
Comment: Canonical splice site variant predicted to result in in-frame deletion within a critical region. Variant damages or destroys the canonical splice acceptor site in intron 14, and is expected to cause abnormal gene splicing; if the splice outcome is exon skip, the loss of the encoded residues in the triple helical region is expected to disrupt normal protein folding and function; Reported as likely pathogenic in ClinVar but additional evidence is not available (ClinVar Variation ID: 447195; Landrum et al., 2016); Has not been previously published as pathogenic or benign to our knowledge; Not observed at a significant frequency in large population cohorts (Lek et al., 2016)

Athena Diagnostics
Classification: Likely pathogenic. Last evaluated: 2017-07-21. Review status: criteria provided, single submitter. Criteria: Athena Diagnostics Criteria. Collection method: clinical testing. Allele origin: germline.

Rady Children's Institute for Genomic Medicine, Rady Children's Hospital San Diego
Classification: Likely pathogenic for COL4A4-related disorders. Review status: criteria provided, single submitter. Criteria: ACMG Guidelines, 2015. Collection method: clinical testing. Allele origin: germline. Affected: yes.
Comment: This variant affects the canonical splice acceptor site of intron 14 and is therefore predicted to interfere with splicing and result in loss of normal protein function through either protein truncation or nonsense-mediated mRNA decay (NMD). This variant has not been previously reported or functionally characterized in the literature to our knowledge. Splice site variants in COL4A4 have been previously reported in individuals with COL4A4-related disorders (PMID: 31686460, 30968591, 22887978, 24854265). Multiple splice prediction tools suggest this variant is likely to interfere with normal splicing. Based on the available evidence, the c.871-1G>C variant is classified as Likely Pathogenic.

Counsyl
Classification: Likely pathogenic for Autosomal recessive Alport syndrome. Last evaluated: 2017-06-05. Review status: no assertion criteria provided. Collection method: clinical testing. Allele origin: unknown. Not counted in ClinVar's aggregate classification.

Literature cited by the submitters: PubMed 16199547 (cited by Labcorp Genetics (formerly Invitae), Labcorp); PubMed 21196518 (cited by Labcorp Genetics (formerly Invitae), Labcorp); PubMed 24854265 (cited by Labcorp Genetics (formerly Invitae), Labcorp); PubMed 25307543 (cited by Labcorp Genetics (formerly Invitae), Labcorp).